The following is an entry in ClinVar:

NM_025114.4(CEP290):c.2348A>G (p.Tyr783Cys)

Gene: CEP290 (centrosomal protein 290; minus strand). Cytogenetic location: 12q21.32.
Variant type: single nucleotide variant.
Coding change: c.2348A>G on transcript NM_025114.4 (MANE Select); coding-DNA position 2348, A replaced by G.
Protein change: p.Tyr783Cys; replaces tyrosine 783 with cysteine.
Molecular consequence: missense variant.
Genome position (GRCh38, 1-based): chr12:88,111,221, T>C on the plus strand (A>G on the coding strand, the complement: CEP290 is on the minus strand). VCF-style: chr12-88111221-T-C. GRCh37 (hg19) VCF-style: chr12-88504998-T-C.
Other names: short protein forms Y783C.
Identifiers: ClinVar variation 880839 (VCV000880839.12), dbSNP rs780990839, ClinGen allele CA6712352.

ClinVar aggregate classification (germline): Uncertain significance. Review status: criteria provided, multiple submitters, no conflicts (2 of 4 stars). 10 submissions from 6 submitters: Uncertain significance (10). Last evaluated 2026-09-24.

Conditions:
Meckel-Gruber syndrome. Also called: Dysencephalia splachnocystica; DYSENCEPHALIA SPLANCHNOCYSTICA; GRUBER SYNDROME. Identifiers: Orphanet 564, MedGen C0265215, MONDO:0018921.
Nephronophthisis. Also called: Juvenile Nephronophthisis. Identifiers: Orphanet 655, MedGen C0687120, MONDO:0019005, HP:0000090.
Joubert syndrome. Also called: JOUBERT-BOLTSHAUSER SYNDROME; Familial aplasia of the vermis. Identifiers: Orphanet 475, MedGen C5979921, MONDO:0018772.
CEP290-related disorder. Also called: CEP290-related condition; CEP290-related disorders. Identifiers: MedGen CN239314.
Inborn genetic diseases. Identifiers: MedGen C0950123, MeSH D030342.
Meckel syndrome, type 4 (MKS4). Also called: MECKEL-GRUBER SYNDROME, TYPE 4. Identifiers: Orphanet 564, MedGen C1970161, MONDO:0012626, OMIM 611134.
Leber congenital amaurosis 10 (LCA10). Identifiers: Orphanet 65, MedGen C1857821, MONDO:0012723, OMIM 611755.
Bardet-Biedl syndrome 14 (BBS14). Identifiers: Orphanet 110, MedGen C2673874, MONDO:0014442, OMIM 615991.
Senior-Loken syndrome 6 (SLSN6). Identifiers: Orphanet 3156, MedGen C1857779, MONDO:0012433, OMIM 610189.
Joubert syndrome 5 (JBTS5). Identifiers: Orphanet 2318, MedGen C1857780, MONDO:0012432, OMIM 610188.

Allele frequency attached by ClinVar (database versions not stated): gnomAD 0.00001; gnomAD exomes 0.00001 and 0.00003; TOPMed 0.00001; ExAC 0.00004.
gnomAD v4.1: 10 of 1,410,152 alleles (0.00071%); highest among the groups gnomAD compares: Non-Finnish European, 0.00083%; no homozygotes.

Submissions (10):

PreventionGenetics, part of Exact Sciences
Classification: Uncertain significance for CEP290-related condition. Last evaluated: 2026-09-24. Review status: criteria provided, single submitter. Criteria: ACMG Guidelines, 2015. Collection method: clinical testing. Allele origin: germline.
Comment: The CEP290 c.2348A>G variant is predicted to result in the amino acid substitution p.Tyr783Cys. To our knowledge, this variant has not been reported in the literature. This variant is reported in 0.0052% of alleles in individuals of European (Non-Finnish) descent in gnomAD. At this time, the clinical significance of this variant is uncertain due to the absence of conclusive functional and genetic evidence.

Ambry Genetics
Classification: Uncertain significance for Inborn genetic diseases. Last evaluated: 2023-01-31. Review status: criteria provided, single submitter. Criteria: Ambry Variant Classification Scheme 2023. Collection method: clinical testing. Allele origin: germline.

Labcorp Genetics (formerly Invitae), Labcorp
Classification: Uncertain significance for Joubert syndrome; Meckel-Gruber syndrome; Nephronophthisis. Last evaluated: 2022-07-26. Review status: criteria provided, single submitter. Criteria: Invitae Variant Classification Sherloc (09022015). Collection method: clinical testing. Allele origin: germline.
Comment: This sequence change replaces tyrosine, which is neutral and polar, with cysteine, which is neutral and slightly polar, at codon 783 of the CEP290 protein (p.Tyr783Cys). This variant is present in population databases (rs780990839, gnomAD 0.005%). This variant has not been reported in the literature in individuals affected with CEP290-related conditions. ClinVar contains an entry for this variant (Variation ID: 880839). Algorithms developed to predict the effect of missense changes on protein structure and function are either unavailable or do not agree on the potential impact of this missense change (SIFT: "Deleterious"; PolyPhen-2: "Probably Damaging"; Align-GVGD: "Class C0"). In summary, the available evidence is currently insufficient to determine the role of this variant in disease. Therefore, it has been classified as a Variant of Uncertain Significance.

Blueprint Genetics
Classification: Uncertain significance. Last evaluated: 2022-04-13. Review status: criteria provided, single submitter. Criteria: ACMG Guidelines, 2015. Collection method: clinical testing. Allele origin: germline.

GeneDx
Classification: Uncertain significance. Last evaluated: 2021-06-01. Review status: criteria provided, single submitter. Criteria: GeneDx Variant Classification Process June 2021. Collection method: clinical testing. Allele origin: germline. Affected: yes.

Illumina Laboratory Services, Illumina
Classification: Uncertain significance for Meckel syndrome, type 4. Last evaluated: 2018-01-13. Review status: criteria provided, single submitter. Criteria: ICSL Variant Classification Criteria 13 December 2019. Collection method: clinical testing. Allele origin: germline.

Illumina Laboratory Services, Illumina
Classification: Uncertain significance for Bardet-Biedl syndrome 14. Last evaluated: 2018-01-13. Review status: criteria provided, single submitter. Criteria: ICSL Variant Classification Criteria 13 December 2019. Collection method: clinical testing. Allele origin: germline.

Illumina Laboratory Services, Illumina
Classification: Uncertain significance for Senior-Loken syndrome 6. Last evaluated: 2018-01-13. Review status: criteria provided, single submitter. Criteria: ICSL Variant Classification Criteria 13 December 2019. Collection method: clinical testing. Allele origin: germline.

Illumina Laboratory Services, Illumina
Classification: Uncertain significance for Leber congenital amaurosis 10. Last evaluated: 2018-01-13. Review status: criteria provided, single submitter. Criteria: ICSL Variant Classification Criteria 13 December 2019. Collection method: clinical testing. Allele origin: germline.

Illumina Laboratory Services, Illumina
Classification: Uncertain significance for Joubert syndrome 5. Last evaluated: 2018-01-13. Review status: criteria provided, single submitter. Criteria: ICSL Variant Classification Criteria 13 December 2019. Collection method: clinical testing. Allele origin: germline.